The following is an entry in ClinVar:

NM_005763.4(AASS):c.1421C>T (p.Ser474Leu)

Gene: AASS (aminoadipate-semialdehyde synthase; minus strand). Cytogenetic location: 7q31.32.
Variant type: single nucleotide variant.
Coding change: c.1421C>T on transcript NM_005763.4 (MANE Select); coding-DNA position 1421, C replaced by T.
Protein change: p.Ser474Leu; replaces serine 474 with leucine.
Molecular consequence: missense variant.
Genome position (GRCh38, 1-based): chr7:122,098,852, G>A on the plus strand (C>T on the coding strand, the complement: AASS is on the minus strand). VCF-style: chr7-122098852-G-A. GRCh37 (hg19) VCF-style: chr7-121738906-G-A.
Other names: c.1421C>T (NM_005763.3); short protein forms S474L.
Identifiers: ClinVar variation 1915286 (VCV001915286.5), dbSNP rs775167151, ClinGen allele CA4458330.

ClinVar aggregate classification (germline): Uncertain significance. Review status: criteria provided, multiple submitters, no conflicts (2 of 4 stars). 2 submissions from 2 submitters: Uncertain significance (2). Last evaluated 2025-09-25.

Conditions:
Inborn genetic diseases. Identifiers: MedGen C0950123, MeSH D030342.

Allele frequency attached by ClinVar (database versions not stated): gnomAD exomes 0.00001; ExAC 0.00001.

Submissions (2):

Ambry Genetics
Classification: Uncertain significance for Inborn genetic diseases. Last evaluated: 2025-09-25. Review status: criteria provided, single submitter. Criteria: Ambry Variant Classification Scheme 2023. Collection method: clinical testing. Allele origin: germline.

Labcorp Genetics (formerly Invitae), Labcorp
Classification: Uncertain significance. Last evaluated: 2023-02-07. Review status: criteria provided, single submitter. Criteria: Invitae Variant Classification Sherloc (09022015). Collection method: clinical testing. Allele origin: germline.
Comment: This variant is present in population databases (rs775167151, gnomAD 0.0009%). In summary, the available evidence is currently insufficient to determine the role of this variant in disease. Therefore, it has been classified as a Variant of Uncertain Significance. Advanced modeling of protein sequence and biophysical properties (such as structural, functional, and spatial information, amino acid conservation, physicochemical variation, residue mobility, and thermodynamic stability) performed at Invitae indicates that this missense variant is not expected to disrupt AASS protein function. This variant has not been reported in the literature in individuals affected with AASS-related conditions. This sequence change replaces serine, which is neutral and polar, with leucine, which is neutral and non-polar, at codon 474 of the AASS protein (p.Ser474Leu).